The following is an entry in ClinVar:

NM_133642.5(LARGE1):c.1601T>C (p.Val534Ala)

Gene: LARGE1 (LARGE xylosyl- and glucuronyltransferase 1; minus strand). Cytogenetic location: 22q12.3.
Variant type: single nucleotide variant.
Coding change: c.1601T>C on transcript NM_133642.5 (MANE Select); coding-DNA position 1601, T replaced by C.
Protein change: p.Val534Ala; replaces valine 534 with alanine.
Molecular consequence: missense variant.
Genome position (GRCh38, 1-based): chr22:33,304,358, A>G on the plus strand (T>C on the coding strand, the complement: LARGE1 is on the minus strand). VCF-style: chr22-33304358-A-G. GRCh37 (hg19) VCF-style: chr22-33700344-A-G.
Other names: c.1601T>C, p.Val534Ala (NM_001362949.2, NM_001362951.2, NM_001362953.2 and 6 more transcripts); c.1445T>C, p.Val482Ala (NM_001378629.1); c.998T>C, p.Val333Ala (NM_001378630.1); c.842T>C, p.Val281Ala (NM_001378631.1); short protein forms V281A, V333A, V482A, V534A.
Identifiers: ClinVar variation 2417912 (VCV002417912.8), dbSNP rs2546646948, ClinGen allele CA411544365.

ClinVar aggregate classification (germline): Uncertain significance (1 of 4 stars; one submission).

Conditions:
Muscular dystrophy-dystroglycanopathy type B6 (MDDGB6). Also called: MUSCULAR DYSTROPHY-DYSTROGLYCANOPATHY (CONGENITAL WITH IMPAIRED INTELLECTUAL DEVELOPMENT), TYPE B, 6; MUSCULAR DYSTROPHY, CONGENITAL, LARGE-RELATED; MUSCULAR DYSTROPHY, CONGENITAL, TYPE 1D. Identifiers: MedGen C1837229, MONDO:0012138, OMIM 608840.

Allele frequency attached by ClinVar (database versions not stated): gnomAD exomes below 0.00001.
gnomAD v4.1: 2 of 1,614,238 alleles (0.00012%); highest among the groups gnomAD compares: Non-Finnish European, 0.00017%; no homozygotes.

Submission:

Labcorp Genetics (formerly Invitae), Labcorp
Classification: Uncertain significance for Muscular dystrophy-dystroglycanopathy type B6. Last evaluated: 2025-10-13. Review status: criteria provided, single submitter. Criteria: Invitae Variant Classification Sherloc (09022015). Collection method: clinical testing. Allele origin: germline.
Comment: This sequence change replaces valine, which is neutral and non-polar, with alanine, which is neutral and non-polar, at codon 534 of the LARGE1 protein (p.Val534Ala). This variant is not present in population databases (gnomAD no frequency). This variant has not been reported in the literature in individuals affected with LARGE1-related conditions. ClinVar contains an entry for this variant (Variation ID: 2417912). Invitae Evidence Modeling of protein sequence and biophysical properties (such as structural, functional, and spatial information, amino acid conservation, physicochemical variation, residue mobility, and thermodynamic stability) indicates that this missense variant is expected to disrupt LARGE1 protein function with a positive predictive value of 80%. In summary, the available evidence is currently insufficient to determine the role of this variant in disease. Therefore, it has been classified as a Variant of Uncertain Significance.